The following is an entry in ClinVar:

ClinVar aggregate classification (germline): Uncertain significance (1 of 4 stars; one submission).

Conditions:
PCNT-related disorder. Also called: PCNT-related condition.

Submission:

PreventionGenetics, part of Exact Sciences
Classification: Uncertain significance for PCNT-related condition. Last evaluated: 2025-02-06. Review status: criteria provided, single submitter. Criteria: ACMG Guidelines, 2015. Collection method: clinical testing. Allele origin: germline.
Comment: The PCNT c.943G>A variant is predicted to result in the amino acid substitution p.Glu315Lys. To our knowledge, this variant has not been reported in the literature or in a large population database (gnomAD), indicating this variant is rare. At this time, the clinical significance of this variant is uncertain due to the absence of conclusive functional and genetic evidence.

NM_006031.6(PCNT):c.943G>A (p.Glu315Lys)

Gene: PCNT (pericentrin; plus strand). Cytogenetic location: 21q22.3.
Variant type: single nucleotide variant.
Coding change: c.943G>A on transcript NM_006031.6 (MANE Select); coding-DNA position 943, G replaced by A.
Protein change: p.Glu315Lys; replaces glutamic acid 315 with lysine.
Molecular consequence: missense variant.
Genome position (GRCh38, 1-based): chr21:46,346,965, G>A. VCF-style: chr21-46346965-G-A. GRCh37 (hg19) VCF-style: chr21-47766879-G-A.
Other names: c.589G>A, p.Glu197Lys (NM_001315529.2); short protein forms E197K, E315K.
Identifiers: ClinVar variation 5001387 (VCV005001387.1).